The following is an entry in ClinVar:

ClinVar aggregate classification (germline): Uncertain significance. Review status: criteria provided, multiple submitters, no conflicts (2 of 4 stars). 2 submissions from 2 submitters: Uncertain significance (2). Last evaluated 2021-02-17.

Conditions:
Beckwith-Wiedemann syndrome (BWS). Also called: Exomphalos macroglossia gigantism syndrome; EMG SYNDROME. Identifiers: Orphanet 116, MedGen C0004903, MONDO:0007534, OMIM 130650.

Submissions (2):

Labcorp Genetics (formerly Invitae), Labcorp
Classification: Uncertain significance for Beckwith-Wiedemann syndrome. Last evaluated: 2021-02-17. Review status: criteria provided, single submitter. Criteria: Invitae Variant Classification Sherloc (09022015). Collection method: clinical testing. Allele origin: germline.
Comment: In summary, the available evidence is currently insufficient to determine the role of this variant in disease. Therefore, it has been classified as a Variant of Uncertain Significance. Experimental studies and prediction algorithms are not available or were not evaluated, and the functional significance of this variant is currently unknown. This variant has not been reported in the literature in individuals with CDKN1C-related conditions. This variant is not present in population databases (ExAC no frequency). This variant, c.768_788del, results in the deletion of 7 amino acid(s) of the CDKN1C protein (p.Ala257_Ala263del), but otherwise preserves the integrity of the reading frame.

Blueprint Genetics
Classification: Uncertain significance. Last evaluated: 2019-08-28. Review status: criteria provided, single submitter. Criteria: ACMG Guidelines, 2015. Collection method: clinical testing. Allele origin: germline.

NM_001122630.2(CDKN1C):c.735_755del (p.Ala246_Ala252del)

Gene: CDKN1C (cyclin dependent kinase inhibitor 1C; minus strand). Cytogenetic location: 11p15.4.
Variant type: Deletion.
Coding change: c.735_755del on transcript NM_001122630.2 (MANE Select); coding-DNA positions 735 to 755, 21 bases deleted (CGCCAGCGCCAACGGCGCGGC).
Protein change: p.Ala246_Ala252del.
Molecular consequence: inframe deletion. On other transcripts: intron variant (1).
Genome position (GRCh38, 1-based): chr11:2,884,702-2,884,722, GCCGCGCCGTTGGCGCTGGCG deleted on the plus strand (CGCCAGCGCCAACGGCGCGGC on the coding strand, the reverse complement: CDKN1C is on the minus strand); deleting any 21 consecutive bases within chr11:2,884,702-2,884,728 gives the same sequence; the c. name uses the placement nearest the transcript's 3' end. VCF-style (leftmost placement, unchanged base first): chr11-2884701-CGCCGCGCCGTTGGCGCTGGCG-C. GRCh37 (hg19) VCF-style: chr11-2905931-CGCCGCGCCGTTGGCGCTGGCG-C.
Other names: c.768_788del, p.Ala257_Ala263del (NM_000076.2, NM_001362474.2); c.735_755del, p.Ala246_Ala252del (NM_001122631.2); c.255+480_255+500del (NM_001362475.2).
Identifiers: ClinVar variation 1468150 (VCV001468150.9), dbSNP rs2133782047, ClinGen allele CA2573145962.